The following is an entry in ClinVar:

NM_001148.6(ANK2):c.3031C>T (p.Arg1011Cys)

Gene: ANK2 (ankyrin 2; plus strand). Cytogenetic location: 4q26.
Variant type: single nucleotide variant.
Coding change: c.3031C>T on transcript NM_001148.6 (MANE Select); coding-DNA position 3031, C replaced by T.
Protein change: p.Arg1011Cys; replaces arginine 1011 with cysteine.
Molecular consequence: missense variant.
Genome position (GRCh38, 1-based): chr4:113,330,376, C>T. VCF-style: chr4-113330376-C-T. GRCh37 (hg19) VCF-style: chr4-114251532-C-T.
Other names: c.3028C>T, p.Arg1010Cys (NM_001354246.2, NM_001354265.2, NM_001354235.2 and 1 more transcripts); c.2944C>T, p.Arg982Cys (NM_001354249.2, NM_001354264.2, NM_001386146.1 and 7 more transcripts); c.3001C>T, p.Arg1001Cys (NM_001354252.2, NM_001354272.2, NM_001354239.2); c.2905C>T, p.Arg969Cys (NM_001354253.2, NM_001354270.2); c.2980C>T, p.Arg994Cys (NM_001354254.2); c.2968C>T, p.Arg990Cys (NM_001354255.2, NM_001354262.2, NM_001386143.1 and 3 more transcripts); c.2965C>T, p.Arg989Cys (NM_001354256.2, NM_001386161.1, NM_001354244.2); c.2869C>T, p.Arg957Cys (NM_001354257.2, NM_001386156.1); and 23 more; short protein forms R1001C, R1015C, R220C, R957C, R977C, R999C, R1058C, R916C.
Identifiers: ClinVar variation 2959960 (VCV002959960.3), dbSNP rs1226180418, ClinGen allele CA357935165.

ClinVar aggregate classification (germline): Uncertain significance (1 of 4 stars; one submission).

Conditions:
Long QT syndrome (LQTS). Identifiers: MedGen C0023976, MeSH D008133, MONDO:0002442. Disease mechanism: loss of function. Inheritance: Various modes of inheritance.

Allele frequency attached by ClinVar (database versions not stated): gnomAD exomes below 0.00001; gnomAD 0.00001.
gnomAD v4.1: 9 of 1,614,090 alleles (0.00056%); highest among the groups gnomAD compares: East Asian, 0.0022%; no homozygotes.

Submission:

Labcorp Genetics (formerly Invitae), Labcorp
Classification: Uncertain significance for Long QT syndrome. Last evaluated: 2025-03-03. Review status: criteria provided, single submitter. Criteria: Invitae Variant Classification Sherloc (09022015). Collection method: clinical testing. Allele origin: germline.
Comment: This sequence change replaces arginine, which is basic and polar, with cysteine, which is neutral and slightly polar, at codon 1011 of the ANK2 protein (p.Arg1011Cys). This variant is present in population databases (no rsID available, gnomAD 0.007%). This variant has not been reported in the literature in individuals affected with ANK2-related conditions. ClinVar contains an entry for this variant (Variation ID: 2959960). Invitae Evidence Modeling of protein sequence and biophysical properties (such as structural, functional, and spatial information, amino acid conservation, physicochemical variation, residue mobility, and thermodynamic stability) indicates that this missense variant is not expected to disrupt ANK2 protein function with a negative predictive value of 80%. In summary, the available evidence is currently insufficient to determine the role of this variant in disease. Therefore, it has been classified as a Variant of Uncertain Significance.